The following is an entry in ClinVar:

ClinVar aggregate classification (germline): Uncertain significance (1 of 4 stars; one submission).

Conditions:
Gingival disorder. Also called: Gingival disease. Identifiers: MedGen C0017563, MONDO:0002021.

gnomAD v4.1: 1 of 1,614,198 alleles (0.000062%); highest among the groups gnomAD compares: Non-Finnish European, 0.000085%; no homozygotes.

Submission:

Labcorp Genetics (formerly Invitae), Labcorp
Classification: Uncertain significance for Gingival disorder. Last evaluated: 2024-11-13. Review status: criteria provided, single submitter. Criteria: Invitae Variant Classification Sherloc (09022015). Collection method: clinical testing. Allele origin: germline.
Comment: This sequence change replaces alanine, which is neutral and non-polar, with valine, which is neutral and non-polar, at codon 212 of the FPR1 protein (p.Ala212Val). This variant is not present in population databases (gnomAD no frequency). This variant has not been reported in the literature in individuals affected with FPR1-related conditions. An algorithm developed to predict the effect of missense changes on protein structure and function outputs the following: PolyPhen-2: "Benign". The valine amino acid residue is found in multiple mammalian species, which suggests that this missense change does not adversely affect protein function. In summary, the available evidence is currently insufficient to determine the role of this variant in disease. Therefore, it has been classified as a Variant of Uncertain Significance.

NM_002029.4(FPR1):c.635C>T (p.Ala212Val)

Gene: FPR1 (formyl peptide receptor 1; minus strand). Cytogenetic location: 19q13.41.
Variant type: single nucleotide variant.
Coding change: c.635C>T on transcript NM_002029.4 (MANE Select); coding-DNA position 635, C replaced by T.
Protein change: p.Ala212Val; replaces alanine 212 with valine.
Molecular consequence: missense variant.
Genome position (GRCh38, 1-based): chr19:51,746,360, G>A on the plus strand (C>T on the coding strand, the complement: FPR1 is on the minus strand). VCF-style: chr19-51746360-G-A. GRCh37 (hg19) VCF-style: chr19-52249613-G-A.
Other names: c.635C>T, p.Ala212Val (NM_001193306.2); short protein forms A212V.
Identifiers: ClinVar variation 3698084 (VCV003698084.2).